The following is an entry in ClinVar:

NM_000094.4(COL7A1):c.7929+5A>G

Gene: COL7A1 (collagen type VII alpha 1 chain; minus strand). Cytogenetic location: 3p21.31.
Variant type: single nucleotide variant.
Coding change: c.7929+5A>G on transcript NM_000094.4 (MANE Select); 5 bases into the intron after coding-DNA position 7929, A replaced by G.
Molecular consequence: intron variant.
Genome position (GRCh38, 1-based): chr3:48,567,833, T>C on the plus strand (A>G on the coding strand, the complement: COL7A1 is on the minus strand). VCF-style: chr3-48567833-T-C. GRCh37 (hg19) VCF-style: chr3-48605266-T-C.
Identifiers: ClinVar variation 2096607 (VCV002096607.4), dbSNP rs2043677092, ClinGen allele CA1363076222.
Genomic context (GRCh38, chr3:48,567,833, plus strand): 5'-TCAGGCAGTGGGGTGAGCCTTAGGCCCCAGGCCACGTAGCCCCCCAGCCCCCATCCCCTC[T>C]GTACCTTGTCTCCCTTCTCTCCATCAAGGCCACAGGCTCCCTTCACTCCCCGTTCACCCT-3'

ClinVar aggregate classification (germline): Uncertain significance (1 of 4 stars; one submission).

Submission:

Labcorp Genetics (formerly Invitae), Labcorp
Classification: Uncertain significance. Last evaluated: 2025-03-03. Review status: criteria provided, single submitter. Criteria: Invitae Variant Classification Sherloc (09022015). Collection method: clinical testing. Allele origin: germline.
Comment: This sequence change falls in intron 106 of the COL7A1 gene. It does not directly change the encoded amino acid sequence of the COL7A1 protein. It affects a nucleotide within the consensus splice site. This variant is not present in population databases (gnomAD no frequency). This variant has not been reported in the literature in individuals affected with COL7A1-related conditions. ClinVar contains an entry for this variant (Variation ID: 2096607). Variants that disrupt the consensus splice site are a relatively common cause of aberrant splicing (PMID: 17576681, 9536098). Algorithms developed to predict the effect of sequence changes on RNA splicing suggest that this variant is not likely to affect RNA splicing. In summary, the available evidence is currently insufficient to determine the role of this variant in disease. Therefore, it has been classified as a Variant of Uncertain Significance.

Literature cited by the submitters: PubMed 17576681; PubMed 9536098.